The following is an entry in ClinVar:

ClinVar aggregate classification (germline): Uncertain significance (1 of 4 stars; one submission).

Submission:

Labcorp Genetics (formerly Invitae), Labcorp
Classification: Uncertain significance. Last evaluated: 2022-08-16. Review status: criteria provided, single submitter. Criteria: Invitae Variant Classification Sherloc (09022015). Collection method: clinical testing. Allele origin: germline.
Comment: In summary, the available evidence is currently insufficient to determine the role of this variant in disease. Therefore, it has been classified as a Variant of Uncertain Significance. Algorithms developed to predict the effect of missense changes on protein structure and function are either unavailable or do not agree on the potential impact of this missense change (SIFT: "Deleterious"; PolyPhen-2: "Not Available"; Align-GVGD: "Class C0"). ClinVar contains an entry for this variant (Variation ID: 1482397). This variant has not been reported in the literature in individuals affected with SRCAP-related conditions. This variant is not present in population databases (gnomAD no frequency). This sequence change replaces threonine, which is neutral and polar, with isoleucine, which is neutral and non-polar, at codon 2634 of the SRCAP protein (p.Thr2634Ile).

NM_006662.3(SRCAP):c.7901C>T (p.Thr2634Ile)

Gene: SRCAP (Snf2 related CREBBP activator protein; plus strand). Cytogenetic location: 16p11.2.
Variant type: single nucleotide variant.
Coding change: c.7901C>T on transcript NM_006662.3 (MANE Select); coding-DNA position 7901, C replaced by T.
Protein change: p.Thr2634Ile; replaces threonine 2634 with isoleucine.
Molecular consequence: missense variant.
Genome position (GRCh38, 1-based): chr16:30,737,941, C>T. VCF-style: chr16-30737941-C-T. GRCh37 (hg19) VCF-style: chr16-30749262-C-T.
Other names: short protein forms T2634I.
Identifiers: ClinVar variation 1482397 (VCV001482397.8), dbSNP rs370304188, ClinGen allele CA395634966.